The following is an entry in ClinVar:

ClinVar aggregate classification (germline): Uncertain significance (1 of 4 stars; one submission).

Allele frequency attached by ClinVar (database versions not stated): gnomAD exomes below 0.00001.
gnomAD v4.1: 1 of 1,613,222 alleles (0.000062%); highest among the groups gnomAD compares: Non-Finnish European, 0.000085%; no homozygotes.

Submission:

Labcorp Genetics (formerly Invitae), Labcorp
Classification: Uncertain significance. Last evaluated: 2025-09-08. Review status: criteria provided, single submitter. Criteria: Invitae Variant Classification Sherloc (09022015). Collection method: clinical testing. Allele origin: germline.
Comment: This sequence change replaces alanine, which is neutral and non-polar, with serine, which is neutral and polar, at codon 1232 of the ATR protein (p.Ala1232Ser). This variant is present in population databases (no rsID available, gnomAD 0.0009%). This variant has not been reported in the literature in individuals affected with ATR-related conditions. ClinVar contains an entry for this variant (Variation ID: 2901082). An algorithm developed to predict the effect of missense changes on protein structure and function (PolyPhen-2) suggests that this variant is likely to be disruptive. In summary, the available evidence is currently insufficient to determine the role of this variant in disease. Therefore, it has been classified as a Variant of Uncertain Significance.

NM_001184.4(ATR):c.3694G>T (p.Ala1232Ser)

Gene: ATR (ATR checkpoint kinase; minus strand). Cytogenetic location: 3q23.
Variant type: single nucleotide variant.
Coding change: c.3694G>T on transcript NM_001184.4 (MANE Select); coding-DNA position 3694, G replaced by T.
Protein change: p.Ala1232Ser; replaces alanine 1232 with serine.
Molecular consequence: missense variant.
Genome position (GRCh38, 1-based): chr3:142,538,513, C>A on the plus strand (G>T on the coding strand, the complement: ATR is on the minus strand). VCF-style: chr3-142538513-C-A. GRCh37 (hg19) VCF-style: chr3-142257355-C-A.
Other names: c.3502G>T, p.Ala1168Ser (NM_001354579.2); short protein forms A1168S, A1232S.
Identifiers: ClinVar variation 2901082 (VCV002901082.3), dbSNP rs1173058019, ClinGen allele CA354807430.